The following is an entry in ClinVar:

NM_002691.4(POLD1):c.457C>G (p.Pro153Ala)

Gene: POLD1 (DNA polymerase delta 1, catalytic subunit; plus strand). Cytogenetic location: 19q13.33.
Variant type: single nucleotide variant.
Coding change: c.457C>G on transcript NM_002691.4 (MANE Select); coding-DNA position 457, C replaced by G.
Protein change: p.Pro153Ala; replaces proline 153 with alanine.
Molecular consequence: missense variant. On other transcripts: non-coding transcript variant (1).
Genome position (GRCh38, 1-based): chr19:50,401,918, C>G. VCF-style: chr19-50401918-C-G. GRCh37 (hg19) VCF-style: chr19-50905175-C-G.
Other names: c.457C>G, p.Pro153Ala (NM_001256849.1, NM_001308632.1); short protein forms P153A.
Identifiers: ClinVar variation 2563175 (VCV002563175.2), dbSNP rs1555789811, ClinGen allele CA406972776.

ClinVar aggregate classification (germline): Uncertain significance (1 of 4 stars; one submission).

Conditions:
Hereditary cancer-predisposing syndrome. Also called: Neoplastic Syndromes, Hereditary; Hereditary Cancer Syndrome; Hereditary neoplastic syndrome; Tumor predisposition. Identifiers: Orphanet 140162, MedGen C0027672, MeSH D009386, MONDO:0015356.

Submission:

Ambry Genetics
Classification: Uncertain significance for Hereditary cancer-predisposing syndrome. Last evaluated: 2023-04-28. Review status: criteria provided, single submitter. Criteria: Ambry Variant Classification Scheme 2023. Collection method: clinical testing. Allele origin: germline.
Comment: The p.P153A variant (also known as c.457C>G), located in coding exon 3 of the POLD1 gene, results from a C to G substitution at nucleotide position 457. The proline at codon 153 is replaced by alanine, an amino acid with highly similar properties. This amino acid position is conserved. In addition, this alteration is predicted to be tolerated by in silico analysis. Since supporting evidence is limited at this time, the clinical significance of this alteration remains unclear.